The following is an entry in ClinVar:

ClinVar aggregate classification (germline): Uncertain significance (1 of 4 stars; one submission).

Conditions:
ADCY3-related disorder. Also called: ADCY3-related condition.

gnomAD v4.1: 1 of 1,614,014 alleles (0.000062%); highest among the groups gnomAD compares: Admixed American, 0.0017%; no homozygotes.

Submission:

PreventionGenetics, part of Exact Sciences
Classification: Uncertain significance for ADCY3-related condition. Last evaluated: 2026-05-13. Review status: criteria provided, single submitter. Criteria: ACMG Guidelines, 2015. Collection method: clinical testing. Allele origin: germline.
Comment: The ADCY3 c.203C>T variant is predicted to result in the amino acid substitution p.Thr68Ile. To our knowledge, this variant has not been reported in the literature or in a large population database (gnomAD), indicating this variant is rare. At this time, the clinical significance of this variant is uncertain due to the absence of conclusive functional and genetic evidence.

NM_004036.5(ADCY3):c.203C>T (p.Thr68Ile)

Gene: ADCY3 (adenylate cyclase 3; minus strand). Cytogenetic location: 2p23.3.
Variant type: single nucleotide variant.
Coding change: c.203C>T on transcript NM_004036.5 (MANE Select); coding-DNA position 203, C replaced by T.
Protein change: p.Thr68Ile; replaces threonine 68 with isoleucine.
Molecular consequence: missense variant.
Genome position (GRCh38, 1-based): chr2:24,918,785, G>A on the plus strand (C>T on the coding strand, the complement: ADCY3 is on the minus strand). VCF-style: chr2-24918785-G-A. GRCh37 (hg19) VCF-style: chr2-25141654-G-A.
Other names: c.203C>T, p.Thr68Ile (NM_001320613.2, NM_001377128.1, NM_001377129.1 and 2 more transcripts); short protein forms T68I.
Identifiers: ClinVar variation 4988425 (VCV004988425.1).